The following is an entry in ClinVar:

ClinVar aggregate classification (germline): Likely benign. Review status: criteria provided, single submitter (1 of 4 stars). 2 submissions from 2 submitters: Likely benign (1). 1 of the submissions does not count toward it. Last evaluated 2022-02-20.

Conditions:
PLCE1-related disorder. Also called: PLCE1-related condition.

Allele frequency attached by ClinVar (database versions not stated): gnomAD exomes 0.00003; gnomAD 0.00005; TOPMed 0.00005; ESP Exome Variant Server 0.00008.
gnomAD v4.1: 50 of 1,613,952 alleles (0.0031%); highest among the groups gnomAD compares: Non-Finnish European, 0.0038%; 1 homozygote.

Submissions (2):

Labcorp Genetics (formerly Invitae), Labcorp
Classification: Likely benign. Last evaluated: 2022-02-20. Review status: criteria provided, single submitter. Criteria: Invitae Variant Classification Sherloc (09022015). Collection method: clinical testing. Allele origin: germline.

PreventionGenetics, part of Exact Sciences
Classification: Likely benign for PLCE1-related condition. Last evaluated: 2022-02-14. Review status: no assertion criteria provided. Collection method: clinical testing. Allele origin: germline. Not counted in ClinVar's aggregate classification.
Comment: This variant is classified as likely benign based on ACMG/AMP sequence variant interpretation guidelines (Richards et al. 2015 PMID: 25741868, with internal and published modifications).

NM_016341.4(PLCE1):c.1371C>T (p.Leu457=)

Gene: PLCE1 (phospholipase C epsilon 1; plus strand). Cytogenetic location: 10q23.33.
Variant type: single nucleotide variant.
Coding change: c.1371C>T on transcript NM_016341.4 (MANE Select); coding-DNA position 1371, C replaced by T.
Protein change: p.Leu457=; no amino-acid change (leucine 457 retained).
Molecular consequence: synonymous variant.
Genome position (GRCh38, 1-based): chr10:94,132,338, C>T. VCF-style: chr10-94132338-C-T. GRCh37 (hg19) VCF-style: chr10-95892095-C-T.
Other names: c.447C>T, p.Leu149= (NM_001165979.2); c.1371C>T, p.Leu457= (NM_001288989.2); c.1371C>T (NM_016341.3).
Identifiers: ClinVar variation 1906716 (VCV001906716.7), dbSNP rs373247117, ClinGen allele CA212140140.